The following is an entry in ClinVar:

NM_002734.5(PRKAR1A):c.441-2A>G

Gene: PRKAR1A (protein kinase cAMP-dependent type I regulatory subunit alpha; plus strand). Cytogenetic location: 17q24.2.
Variant type: single nucleotide variant.
Coding change: c.441-2A>G on transcript NM_002734.5 (MANE Select); the canonical splice acceptor site of the intron before coding-DNA position 441, A replaced by G.
Molecular consequence: splice acceptor variant.
Genome position (GRCh38, 1-based): chr17:68,524,014, A>G. VCF-style: chr17-68524014-A-G. GRCh37 (hg19) VCF-style: chr17-66520155-A-G.
Other names: c.441-2A>G (NM_001278433.2, NM_001369389.1, NM_212471.3 and 4 more transcripts).
Identifiers: ClinVar variation 2138098 (VCV002138098.4), dbSNP rs2509407190, ClinGen allele CA400752764.

ClinVar aggregate classification (germline): Likely pathogenic (1 of 4 stars; one submission).

Conditions:
Carney complex, type 1 (CNC1). Also called: CARNEY MYXOMA-ENDOCRINE COMPLEX; CARNEY COMPLEX, TYPE I. Identifiers: Orphanet 1359, MedGen C2607929, MONDO:0008057, OMIM 160980.

Submission:

Labcorp Genetics (formerly Invitae), Labcorp
Classification: Likely pathogenic for Carney complex, type 1. Last evaluated: 2022-10-17. Review status: criteria provided, single submitter. Criteria: Invitae Variant Classification Sherloc (09022015). Collection method: clinical testing. Allele origin: germline.
Comment: This sequence change affects an acceptor splice site in intron 4 of the PRKAR1A gene. RNA analysis indicates that disruption of this splice site induces altered splicing and may result in an absent or disrupted protein product. This variant is not present in population databases (gnomAD no frequency). Disruption of this splice site has been observed in individual(s) with PRKAR1A-related conditions (PMID: 26354069). Studies have shown that disruption of this splice site results in activation of cryptic splice sites and introduces a premature termination codon (PMID: 26354069). The resulting mRNA is expected to undergo nonsense-mediated decay. In summary, the currently available evidence indicates that the variant is pathogenic, but additional data are needed to prove that conclusively. Therefore, this variant has been classified as Likely Pathogenic.

Literature cited by the submitters: PubMed 26354069.